The following is an entry in ClinVar:

NM_000329.3(RPE65):c.1012T>G (p.Tyr338Asp)

Gene: RPE65 (retinoid isomerohydrolase RPE65; minus strand). Cytogenetic location: 1p31.3.
Variant type: single nucleotide variant.
Coding change: c.1012T>G on transcript NM_000329.3 (MANE Select); coding-DNA position 1012, T replaced by G.
Protein change: p.Tyr338Asp; replaces tyrosine 338 with aspartic acid.
Molecular consequence: missense variant.
Genome position (GRCh38, 1-based): chr1:68,438,303, A>C on the plus strand (T>G on the coding strand, the complement: RPE65 is on the minus strand). VCF-style: chr1-68438303-A-C. GRCh37 (hg19) VCF-style: chr1-68903986-A-C.
Other names: c.904T>G, p.Tyr302Asp (NM_001406853.1); c.736T>G, p.Tyr246Asp (NM_001406856.1, NM_001406857.1); c.1012T>G, p.Tyr338Asp (NM_001406859.1); short protein forms Y246D, Y302D, Y338D.
Identifiers: ClinVar variation 3389298 (VCV003389298.14).

ClinVar aggregate classification (germline): Uncertain significance (1 of 4 stars; one submission).

Submission:

CeGaT Center for Human Genetics Tuebingen
Classification: Uncertain significance. Last evaluated: 2024-10-01. Review status: criteria provided, single submitter. Criteria: CeGaT Center For Human Genetics Tuebingen Variant Classification Criteria Version 2. Collection method: clinical testing. Allele origin: germline. Affected: yes. Observed: 1 variant allele.
Comment: RPE65: PM2, PP3